The following is an entry in ClinVar:

NM_006206.6(PDGFRA):c.427G>A (p.Asp143Asn)

Gene: PDGFRA (platelet derived growth factor receptor alpha; plus strand). Cytogenetic location: 4q12.
Variant type: single nucleotide variant.
Coding change: c.427G>A on transcript NM_006206.6 (MANE Select); coding-DNA position 427, G replaced by A.
Protein change: p.Asp143Asn; replaces aspartic acid 143 with asparagine.
Molecular consequence: missense variant.
Genome position (GRCh38, 1-based): chr4:54,263,726, G>A. VCF-style: chr4-54263726-G-A. GRCh37 (hg19) VCF-style: chr4-55129893-G-A.
Other names: c.427G>A, p.Asp143Asn (NM_001347827.2, NM_001347829.2); c.502G>A, p.Asp168Asn (NM_001347828.2); c.466G>A, p.Asp156Asn (NM_001347830.2); short protein forms D156N, D143N, D168N.
Identifiers: ClinVar variation 1739336 (VCV001739336.3), dbSNP rs2110251175, ClinGen allele CA356889797.

ClinVar aggregate classification (germline): Uncertain significance (1 of 4 stars; one submission).

Conditions:
Hereditary cancer-predisposing syndrome. Also called: Hereditary Cancer Syndrome; Hereditary neoplastic syndrome; Neoplastic Syndromes, Hereditary; Tumor predisposition. Identifiers: Orphanet 140162, MedGen C0027672, MeSH D009386, MONDO:0015356.

Submission:

Ambry Genetics
Classification: Uncertain significance for Hereditary cancer-predisposing syndrome. Last evaluated: 2025-08-30. Review status: criteria provided, single submitter. Criteria: Ambry Variant Classification Scheme 2023. Collection method: clinical testing. Allele origin: germline.
Comment: The p.D143N variant (also known as c.427G>A), located in coding exon 3 of the PDGFRA gene, results from a G to A substitution at nucleotide position 427. The aspartic acid at codon 143 is replaced by asparagine, an amino acid with highly similar properties. This amino acid position is conserved. In addition, this alteration is predicted to be tolerated by in silico analysis. Since supporting evidence is limited at this time, the clinical significance of this alteration remains unclear.